The following is an entry in ClinVar:

NM_005876.5(SPEG):c.3484_3491+17del

Gene: SPEG (striated muscle enriched protein kinase; plus strand). Cytogenetic location: 2q35.
Variant type: Deletion.
Coding change: c.3484_3491+17del on transcript NM_005876.5 (MANE Select); coding-DNA position 3484 through 17 bases into the intron after coding-DNA position 3491, 25 bases deleted (GGCCCCAGGTACCACCGGGGCCCCA).
Molecular consequence: splice donor variant.
Genome position (GRCh38, 1-based): chr2:219,469,041-219,469,065, GGCCCCAGGTACCACCGGGGCCCCA deleted; deleting any 25 consecutive bases within chr2:219,469,039-219,469,065 gives the same sequence; the c. name uses the placement nearest the transcript's 3' end. VCF-style (leftmost placement, unchanged base first): chr2-219469038-TCAGGCCCCAGGTACCACCGGGGCCC-T. GRCh37 (hg19) VCF-style: chr2-220333760-TCAGGCCCCAGGTACCACCGGGGCCC-T.
Identifiers: ClinVar variation 2708736 (VCV002708736.3), dbSNP rs2545776365, ClinGen allele CA2697550467.

ClinVar aggregate classification (germline): Likely pathogenic (1 of 4 stars; one submission).

Submission:

Labcorp Genetics (formerly Invitae), Labcorp
Classification: Likely pathogenic. Last evaluated: 2024-01-19. Review status: criteria provided, single submitter. Criteria: Invitae Variant Classification Sherloc (09022015). Collection method: clinical testing. Allele origin: germline.
Comment: This variant results in the deletion of part of exon 12 (c.3484_3491+17del) of the SPEG gene. It is expected to disrupt RNA splicing. Variants that disrupt the donor or acceptor splice site typically lead to a loss of protein function (PMID: 16199547), and loss-of-function variants in SPEG are known to be pathogenic (PMID: 19118250, 25087613). This variant is not present in population databases (gnomAD no frequency). This variant has not been reported in the literature in individuals affected with SPEG-related conditions. In summary, the currently available evidence indicates that the variant is pathogenic, but additional data are needed to prove that conclusively. Therefore, this variant has been classified as Likely Pathogenic.

Literature cited by the submitters: PubMed 16199547; PubMed 19118250; PubMed 25087613.